The following is an entry in ClinVar:

ClinVar aggregate classification (germline): Uncertain significance (1 of 4 stars; one submission).

Submission:

Labcorp Genetics (formerly Invitae), Labcorp
Classification: Uncertain significance. Last evaluated: 2025-09-15. Review status: criteria provided, single submitter. Criteria: Invitae Variant Classification Sherloc (09022015). Collection method: clinical testing. Allele origin: germline.
Comment: This variant, c.659_661del, results in the deletion of 1 amino acid(s) of the KLF10 protein (p.Val220del), but otherwise preserves the integrity of the reading frame. This variant is not present in population databases (gnomAD no frequency). This variant has not been reported in the literature in individuals affected with KLF10-related conditions. ClinVar contains an entry for this variant (Variation ID: 3618256). Experimental studies and prediction algorithms are not available or were not evaluated, and the functional significance of this variant is currently unknown. In summary, the available evidence is currently insufficient to determine the role of this variant in disease. Therefore, it has been classified as a Variant of Uncertain Significance.

NM_005655.4(KLF10):c.659_661del (p.Val220del)

Gene: KLF10 (KLF transcription factor 10; minus strand). Cytogenetic location: 8q22.3.
Variant type: Deletion.
Coding change: c.659_661del on transcript NM_005655.4 (MANE Select); coding-DNA positions 659 to 661, 3 bases deleted (TTG; older notation c.659_661delTTG).
Protein change: p.Val220del; deletes valine 220.
Molecular consequence: inframe deletion.
Genome position (GRCh38, 1-based): chr8:102,651,671-102,651,673, CAA deleted on the plus strand (TTG on the coding strand, the reverse complement: KLF10 is on the minus strand); deleting any 3 consecutive bases within chr8:102,651,671-102,651,675 gives the same sequence; the c. name uses the placement nearest the transcript's 3' end. VCF-style (leftmost placement, unchanged base first): chr8-102651670-TCAA-T. GRCh37 (hg19) VCF-style: chr8-103663898-TCAA-T.
Other names: c.626_628del, p.Val209del (NM_001032282.4); short protein forms V209del, V220del.
Identifiers: ClinVar variation 3618256 (VCV003618256.2).